The following is an entry in ClinVar:

ClinVar aggregate classification (germline): Uncertain significance (1 of 4 stars; one submission).

Conditions:
Dyskeratosis congenita, autosomal dominant 6 (DKCA6). Identifiers: Orphanet 3322, MedGen C4225284, MONDO:0014690, OMIM 616553.

gnomAD v4.1: 1 of 1,584,782 alleles (0.000063%); highest among the groups gnomAD compares: Non-Finnish European, 0.000086%; no homozygotes.

Submission:

Labcorp Genetics (formerly Invitae), Labcorp
Classification: Uncertain significance for Dyskeratosis congenita, autosomal dominant 6. Last evaluated: 2024-05-28. Review status: criteria provided, single submitter. Criteria: Invitae Variant Classification Sherloc (09022015). Collection method: clinical testing. Allele origin: germline.
Comment: This sequence change replaces leucine, which is neutral and non-polar, with phenylalanine, which is neutral and non-polar, at codon 447 of the ACD protein (p.Leu447Phe). This variant is present in population databases (no rsID available, gnomAD 0.004%). This variant has not been reported in the literature in individuals affected with ACD-related conditions. Advanced modeling of protein sequence and biophysical properties (such as structural, functional, and spatial information, amino acid conservation, physicochemical variation, residue mobility, and thermodynamic stability) performed at Invitae indicates that this missense variant is not expected to disrupt ACD protein function with a negative predictive value of 80%. In summary, the available evidence is currently insufficient to determine the role of this variant in disease. Therefore, it has been classified as a Variant of Uncertain Significance.

NM_001082486.2(ACD):c.1081C>T (p.Leu361Phe)

Gene: ACD (ACD shelterin complex subunit and telomerase recruitment factor; minus strand). Cytogenetic location: 16q22.1.
Variant type: single nucleotide variant.
Coding change: c.1081C>T on transcript NM_001082486.2 (MANE Select); coding-DNA position 1081, C replaced by T.
Protein change: p.Leu361Phe; replaces leucine 361 with phenylalanine.
Molecular consequence: missense variant.
Genome position (GRCh38, 1-based): chr16:67,658,111, G>A on the plus strand (C>T on the coding strand, the complement: ACD is on the minus strand). VCF-style: chr16-67658111-G-A. GRCh37 (hg19) VCF-style: chr16-67692014-G-A.
Other names: c.994C>T, p.Leu332Phe (NM_001410884.1); c.1072C>T, p.Leu358Phe (NM_022914.3); short protein forms L358F, L361F, L332F.
Identifiers: ClinVar variation 2908008 (VCV002908008.3), dbSNP rs1371999681, ClinGen allele CA396352184.